The following is an entry in ClinVar:

ClinVar aggregate classification (germline): Conflicting classifications of pathogenicity. Review status: criteria provided, conflicting classifications (1 of 4 stars). 5 submissions from 4 submitters: Uncertain significance (2); Benign (1); Likely benign (2). Last evaluated 2025-09-11.

Conditions:
Inborn genetic diseases. Identifiers: MedGen C0950123, MeSH D030342.
Bronchiectasis with or without elevated sweat chloride 2 (BESC2). Identifiers: Orphanet 60033, MedGen C2751666, MONDO:0013087, OMIM 613021.
Pseudohypoaldosteronism, type IB1, autosomal recessive. Also called: Autosomal recessive pseudohypoaldosteronism type 1; Pseudohypoaldosteronism, Type I, Autosomal Recessive; PHA I, AUTOSOMAL RECESSIVE; Pseudohypoaldosteronism, Type I, Recessive. Identifiers: Orphanet 171876, Orphanet 756, MedGen C5774176, MONDO:0009917, OMIM 264350.
SCNN1A-related disorder. Also called: SCNN1A-related disorders; SCNN1A-related condition.

Allele frequency attached by ClinVar (database versions not stated): ExAC 0.00032; ESP Exome Variant Server 0.00015; gnomAD exomes 0.00015 and 0.00029; TOPMed 0.00016; gnomAD 0.00019.
gnomAD v4.1: 250 of 1,613,884 alleles (0.015%); highest among the groups gnomAD compares: Admixed American, 0.018%; no homozygotes.

Submissions (5):

Ambry Genetics
Classification: Uncertain significance for Inborn genetic diseases. Last evaluated: 2025-09-11. Review status: criteria provided, single submitter. Criteria: Ambry Variant Classification Scheme 2023. Collection method: clinical testing. Allele origin: germline.

Labcorp Genetics (formerly Invitae), Labcorp
Classification: Likely benign. Last evaluated: 2025-07-30. Review status: criteria provided, single submitter. Criteria: Invitae Variant Classification Sherloc (09022015). Collection method: clinical testing. Allele origin: germline.

PreventionGenetics, part of Exact Sciences
Classification: Likely benign for SCNN1A-related condition. Last evaluated: 2024-10-16. Review status: criteria provided, single submitter. Criteria: ACMG Guidelines, 2015. Collection method: clinical testing. Allele origin: germline.
Comment: This variant is classified as likely benign based on ACMG/AMP sequence variant interpretation guidelines (Richards et al. 2015 PMID: 25741868, with internal and published modifications).

Illumina Laboratory Services, Illumina
Classification: Uncertain significance for Pseudohypoaldosteronism, type IB1, autosomal recessive. Last evaluated: 2018-01-13. Review status: criteria provided, single submitter. Criteria: ICSL Variant Classification Criteria 13 December 2019. Collection method: clinical testing. Allele origin: germline.

Illumina Laboratory Services, Illumina
Classification: Benign for Bronchiectasis with or without elevated sweat chloride 2. Last evaluated: 2018-01-13. Review status: criteria provided, single submitter. Criteria: ICSL Variant Classification Criteria 13 December 2019. Collection method: clinical testing. Allele origin: germline.
Comment: This variant was observed in the ICSL laboratory as part of a predisposition screen in an ostensibly healthy population. It had not been previously curated by ICSL or reported in the Human Gene Mutation Database (HGMD: prior to June 1st, 2018), and was therefore a candidate for classification through an automated scoring system. Utilizing variant allele frequency, disease prevalence and penetrance estimates, and inheritance mode, an automated score was calculated to assess if this variant is too frequent to cause the disease. Based on the score and internal cut-off values, a variant classified as benign is not then subjected to further curation. The score for this variant resulted in a classification of benign for this disease.

NM_001038.6(SCNN1A):c.1520C>T (p.Ser507Leu)

Gene: SCNN1A (sodium channel epithelial 1 subunit alpha; minus strand). Cytogenetic location: 12p13.31.
Variant type: single nucleotide variant.
Coding change: c.1520C>T on transcript NM_001038.6 (MANE Select); coding-DNA position 1520, C replaced by T.
Protein change: p.Ser507Leu; replaces serine 507 with leucine.
Molecular consequence: missense variant.
Genome position (GRCh38, 1-based): chr12:6,348,983, G>A on the plus strand (C>T on the coding strand, the complement: SCNN1A is on the minus strand). VCF-style: chr12-6348983-G-A. GRCh37 (hg19) VCF-style: chr12-6458149-G-A.
Other names: c.1589C>T, p.Ser530Leu (NM_001159575.2); c.1697C>T, p.Ser566Leu (NM_001159576.2); short protein forms S530L, S507L, S566L.
Identifiers: ClinVar variation 738498 (VCV000738498.15), dbSNP rs148959452, ClinGen allele CA6405804.